The following is an entry in ClinVar:

ClinVar aggregate classification (germline): Likely benign (1 of 4 stars; one submission).

gnomAD v4.1: 1 of 1,613,710 alleles (0.000062%); highest among the groups gnomAD compares: Non-Finnish European, 0.000085%; no homozygotes.

Submission:

Mayo Clinic Laboratories, Mayo Clinic
Classification: Likely benign. Last evaluated: 2025-10-06. Review status: criteria provided, single submitter. Criteria: ACMG Guidelines, 2015. Collection method: clinical testing. Allele origin: germline. Observed: 1 variant allele.
Comment: BP4, BP7, PM2_supporting

NM_001365276.2(TNXB):c.6450G>C (p.Val2150=)

Gene: TNXB (tenascin XB; minus strand). Cytogenetic location: 6p21.33.
Variant type: single nucleotide variant.
Coding change: c.6450G>C on transcript NM_001365276.2 (MANE Select); coding-DNA position 6450, G replaced by C.
Protein change: p.Val2150=; no amino-acid change (valine 2150 retained).
Molecular consequence: synonymous variant.
Genome position (GRCh38, 1-based): chr6:32,067,755, C>G on the plus strand (G>C on the coding strand, the complement: TNXB is on the minus strand). VCF-style: chr6-32067755-C-G. GRCh37 (hg19) VCF-style: chr6-32035532-C-G.
Other names: p.Val2150=; c.7191G>C, p.Val2397= (NM_001428335.1); c.6450G>C, p.Val2150= (NM_019105.8).
Identifiers: ClinVar variation 4684960 (VCV004684960.1).